The following is an entry in ClinVar:

ClinVar aggregate classification (germline): Uncertain significance (1 of 4 stars; one submission).

gnomAD v4.1: 1 of 1,208,881 alleles (0.000083%); highest among the groups gnomAD compares: Admixed American, 0.0022%; no homozygotes.

Submission:

GeneDx
Classification: Uncertain significance. Last evaluated: 2025-07-10. Review status: criteria provided, single submitter. Criteria: GeneDx Variant Classification Process June 2021. Collection method: clinical testing. Allele origin: germline. Affected: yes.
Comment: Not observed at significant frequency in large population cohorts (gnomAD); In silico analysis suggests that this missense variant does not alter protein structure/function; Has not been previously published as pathogenic or benign to our knowledge

NM_012280.4(FTSJ1):c.874C>T (p.Pro292Ser)

Gene: FTSJ1 (FtsJ RNA 2'-O-methyltransferase 1; plus strand). Cytogenetic location: Xp11.23.
Variant type: single nucleotide variant.
Coding change: c.874C>T on transcript NM_012280.4 (MANE Select); coding-DNA position 874, C replaced by T.
Protein change: p.Pro292Ser; replaces proline 292 with serine.
Molecular consequence: missense variant.
Genome position (GRCh38, 1-based): chrX:48,482,711, C>T. VCF-style: chrX-48482711-C-T. GRCh37 (hg19) VCF-style: chrX-48341099-C-T.
Other names: c.463C>T, p.Pro155Ser (NM_001282157.2); c.874C>T, p.Pro292Ser (NM_001441195.1, NM_001441197.1, NM_001441198.1); c.868C>T, p.Pro290Ser (NM_001441196.1, NM_001441199.1, NM_001441200.1 and 1 more transcripts); short protein forms P155S, P290S, P292S.
Identifiers: ClinVar variation 4685029 (VCV004685029.1).